The following is an entry in ClinVar:

ClinVar aggregate classification (germline): Uncertain significance (1 of 4 stars; one submission).

Submission:

Dasa
Classification: Uncertain significance. Last evaluated: 2025-07-01. Review status: criteria provided, single submitter. Criteria: DASA Assertion Criteria. Collection method: clinical testing. Allele origin: germline.
Comment: NM_005458.8(GABBR2):c.1040C>T (p.Ser347Leu) is a missense variant that results in the substitution of serine with leucine. This variant is absent from population databases. Computational prediction algorithms are consistent with a benign effect. The currently available literature and clinical evidence are not sufficient to establish a definitive association between this variant and the reported condition. Therefore, this variant is classified as a variant of uncertain significance.

NM_005458.8(GABBR2):c.1040C>T (p.Ser347Leu)

Gene: GABBR2 (gamma-aminobutyric acid type B receptor subunit 2; minus strand). Cytogenetic location: 9q22.33.
Variant type: single nucleotide variant.
Coding change: c.1040C>T on transcript NM_005458.8 (MANE Select); coding-DNA position 1040, C replaced by T.
Protein change: p.Ser347Leu; replaces serine 347 with leucine.
Molecular consequence: missense variant.
Genome position (GRCh38, 1-based): chr9:98,454,177, G>A on the plus strand (C>T on the coding strand, the complement: GABBR2 is on the minus strand). VCF-style: chr9-98454177-G-A. GRCh37 (hg19) VCF-style: chr9-101216459-G-A.
Other names: short protein forms S347L.
Identifiers: ClinVar variation 4852671 (VCV004852671.2).